The following is an entry in ClinVar:

NM_000372.5(TYR):c.1340A>G (p.Tyr447Cys)

Gene: TYR (tyrosinase; plus strand). Cytogenetic location: 11q14.3.
Variant type: single nucleotide variant.
Coding change: c.1340A>G on transcript NM_000372.5 (MANE Select); coding-DNA position 1340, A replaced by G.
Protein change: p.Tyr447Cys; replaces tyrosine 447 with cysteine.
Molecular consequence: missense variant.
Genome position (GRCh38, 1-based): chr11:89,284,928, A>G. VCF-style: chr11-89284928-A-G. GRCh37 (hg19) VCF-style: chr11-89018096-A-G.
Other names: short protein forms Y447C.
Identifiers: ClinVar variation 2133741 (VCV002133741.4), dbSNP rs2496712100, ClinGen allele CA382078141.

ClinVar aggregate classification (germline): Uncertain significance (1 of 4 stars; one submission).

Submission:

Labcorp Genetics (formerly Invitae), Labcorp
Classification: Uncertain significance. Last evaluated: 2022-10-24. Review status: criteria provided, single submitter. Criteria: Invitae Variant Classification Sherloc (09022015). Collection method: clinical testing. Allele origin: germline.
Comment: This sequence change replaces tyrosine, which is neutral and polar, with cysteine, which is neutral and slightly polar, at codon 447 of the TYR protein (p.Tyr447Cys). This variant is not present in population databases (gnomAD no frequency). This variant has not been reported in the literature in individuals affected with TYR-related conditions. Advanced modeling of protein sequence and biophysical properties (such as structural, functional, and spatial information, amino acid conservation, physicochemical variation, residue mobility, and thermodynamic stability) performed at Invitae indicates that this missense variant is expected to disrupt TYR protein function. In summary, the available evidence is currently insufficient to determine the role of this variant in disease. Therefore, it has been classified as a Variant of Uncertain Significance.